The following is an entry in ClinVar:

NM_000179.3(MSH6):c.3134del (p.Lys1045fs)

Gene: MSH6 (mutS homolog 6; plus strand). Cytogenetic location: 2p16.3.
Variant type: Deletion.
Coding change: c.3134del on transcript NM_000179.3 (MANE Select); coding-DNA position 3134, one base deleted (A; older notation c.3134delA).
Protein change: p.Lys1045fs; shifts the reading frame from lysine 1045.
Molecular consequence: frameshift variant.
Genome position (GRCh38, 1-based): chr2:47,801,117, A deleted; the last of 2 consecutive A bases (chr2:47,801,116-47,801,117); deleting either gives the same sequence. VCF-style (leftmost placement, unchanged base first): chr2-47801115-CA-C. GRCh37 (hg19) VCF-style: chr2-48028254-CA-C.
Other names: c.2744del, p.Lys915fs (NM_001281492.2); c.2228del, p.Lys743fs (NM_001281493.2, NM_001281494.2); c.3230delA, p.Lys1077Argfs (NM_001406795.1, NM_001406802.1); c.3134delA, p.Lys1045Argfs (NM_001406796.1, NM_001406798.1, NM_001406800.1 and 2 more transcripts); c.2837delA, p.Lys946Argfs (NM_001406797.1, NM_001406801.1, NM_001406805.1 and 10 more transcripts); c.2609delA, p.Lys870Argfs (NM_001406799.1, NM_001406806.1, NM_001406807.1); c.3056delA, p.Lys1019Argfs (NM_001406804.1); c.2228delA, p.Lys743Argfs (NM_001406811.1, NM_001406812.1, NM_001406814.1 and 4 more transcripts); and 3 more; short protein forms K1045fs, K743fs, K915fs.
Identifiers: ClinVar variation 1727995 (VCV001727995.2), dbSNP rs2530716119, ClinGen allele CA2580066815.

ClinVar aggregate classification (germline): Pathogenic (1 of 4 stars; one submission).

Conditions:
Hereditary cancer-predisposing syndrome. Also called: Tumor predisposition; Neoplastic Syndromes, Hereditary; Hereditary Cancer Syndrome; Hereditary neoplastic syndrome. Identifiers: Orphanet 140162, MedGen C0027672, MeSH D009386, MONDO:0015356.

Submission:

Ambry Genetics
Classification: Pathogenic for Hereditary cancer-predisposing syndrome. Last evaluated: 2018-12-05. Review status: criteria provided, single submitter. Criteria: Ambry Variant Classification Scheme 2023. Collection method: clinical testing. Allele origin: germline.
Comment: The c.3134delA pathogenic mutation, located in coding exon 4 of the MSH6 gene, results from a deletion of one nucleotide at nucleotide position 3134, causing a translational frameshift with a predicted alternate stop codon (p.K1045Rfs*7). This alteration is expected to result in loss of function by premature protein truncation or nonsense-mediated mRNA decay. As such, this alteration is interpreted as a disease-causing mutation.